The following is an entry in ClinVar:

ClinVar aggregate classification (germline): Benign. Review status: criteria provided, multiple submitters, no conflicts (2 of 4 stars). 5 submissions from 5 submitters: Benign (4). 1 of the submissions does not count toward it. Last evaluated 2026-02-03.

Conditions:
PCDH12-related disorder. Also called: PCDH12-related condition.
Diencephalic-mesencephalic junction dysplasia syndrome 1 (DMJDS1). Also called: Microcephaly with spastic quadriplegia. Identifiers: MedGen C4538630, MONDO:0009625, OMIM 251280.

Allele frequency attached by ClinVar (database versions not stated): ESP Exome Variant Server 0.08934; TOPMed 0.09074; gnomAD 0.09424 and 0.09860; gnomAD exomes 0.11524 and 0.12282; 1000 Genomes Project 30x 0.11836; 1000 Genomes Project 0.12260; ExAC 0.12342.
gnomAD v4.1: 183,512 of 1,614,008 alleles (11%); highest among the groups gnomAD compares: East Asian, 23%; 11,418 homozygotes.

Submissions (5):

Labcorp Genetics (formerly Invitae), Labcorp
Classification: Benign. Last evaluated: 2026-02-03. Review status: criteria provided, single submitter. Criteria: Invitae Variant Classification Sherloc (09022015). Collection method: clinical testing. Allele origin: germline.

Mayo Clinic Laboratories, Mayo Clinic
Classification: Benign. Last evaluated: 2021-11-29. Review status: criteria provided, single submitter. Criteria: ACMG Guidelines, 2015. Collection method: clinical testing. Allele origin: germline. Observed: 39 variant alleles.

Genome-Nilou Lab
Classification: Benign for Diencephalic-mesencephalic junction dysplasia syndrome 1. Last evaluated: 2021-09-05. Review status: criteria provided, single submitter. Criteria: ACMG Guidelines, 2015. Collection method: clinical testing. Allele origin: germline. Affected: no.

GeneDx
Classification: Benign. Last evaluated: 2021-05-04. Review status: criteria provided, single submitter. Criteria: GeneDx Variant Classification Process June 2021. Collection method: clinical testing. Allele origin: germline. Affected: yes.

PreventionGenetics, part of Exact Sciences
Classification: Benign for PCDH12-related condition. Last evaluated: 2019-09-10. Review status: no assertion criteria provided. Collection method: clinical testing. Allele origin: germline. Not counted in ClinVar's aggregate classification.
Comment: This variant is classified as benign based on ACMG/AMP sequence variant interpretation guidelines (Richards et al. 2015 PMID: 25741868, with internal and published modifications).

NM_016580.4(PCDH12):c.2496G>A (p.Gln832=)

Genes: PCDH12 (protocadherin 12; minus strand), RNF14 (ring finger protein 14; plus strand). Cytogenetic location: 5q31.3.
Variant type: single nucleotide variant.
Coding change: c.2496G>A on transcript NM_016580.4 (MANE Select); coding-DNA position 2496, G replaced by A.
Protein change: p.Gln832=; no amino-acid change (glutamine 832 retained).
Molecular consequence: synonymous variant.
Genome position (GRCh38, 1-based): chr5:141,955,356, C>T on the plus strand (G>A on the coding strand, the complement: PCDH12 is on the minus strand). VCF-style: chr5-141955356-C-T. GRCh37 (hg19) VCF-style: chr5-141334921-C-T.
Other names: p.Gln832=.
Identifiers: ClinVar variation 1167840 (VCV001167840.16), dbSNP rs2434322, ClinGen allele CA3484210.
Genomic context (GRCh38, chr5:141,955,356, plus strand): 5'-ATGGTTGAAAAGGAGGTTGACCGTGTCTTGCAGCACCTCTCGGCTCTCCGCCGGTGCTCC[C>T]TGGTTGCCTTGATTACGCAGCGTCCTGTACAGGGTCGGGGTGAGGTGGAAGGGGGCCTGC-3'
Protein context (NP_057664.1, residues 822-842): LYRTLRNQGN[Gln832=]GAPAESREVL